The following is an entry in ClinVar:

ClinVar aggregate classification (germline): Pathogenic. Review status: criteria provided, multiple submitters, no conflicts (2 of 4 stars). 5 submissions from 5 submitters: Pathogenic (3). 2 of the submissions do not count toward it. Last evaluated 2023-08-28.

Conditions:
HEPACAM-related disorders.
Megalencephalic leukoencephalopathy with subcortical cysts 2B, remitting, with or without impaired intellectual development. Also called: Megalencephalic leukoencephalopathy with subcortical cysts 2B, remitting, with or without intellectual disability. Identifiers: Orphanet 2478, MedGen C3151356, MONDO:0013491, OMIM 613926.
Megalencephalic leukoencephalopathy with subcortical cysts 2A. Identifiers: Orphanet 2478, MedGen C3151355, MONDO:0013490, OMIM 613925.

Submissions (5):

Blueprint Genetics
Classification: Pathogenic for HEPACAM-related disorders. Last evaluated: 2023-08-28. Review status: criteria provided, single submitter. Criteria: ACMG Guidelines, 2015. Collection method: clinical testing. Allele origin: germline. Affected: yes. Observed: 1 variant allele.

Labcorp Genetics (formerly Invitae), Labcorp
Classification: Pathogenic. Last evaluated: 2023-08-02. Review status: criteria provided, single submitter. Criteria: Invitae Variant Classification Sherloc (09022015). Collection method: clinical testing. Allele origin: germline.
Comment: This missense change has been observed in individual(s) with autosomal dominant megalencephalic leukoencephalopathy with subcortical cysts (PMID: 21419380, 31372844). In at least one individual the variant was observed to be de novo. This sequence change replaces arginine, which is basic and polar, with tryptophan, which is neutral and slightly polar, at codon 92 of the HEPACAM protein (p.Arg92Trp). This variant is not present in population databases (gnomAD no frequency). ClinVar contains an entry for this variant (Variation ID: 30921). Advanced modeling of protein sequence and biophysical properties (such as structural, functional, and spatial information, amino acid conservation, physicochemical variation, residue mobility, and thermodynamic stability) has been performed at Invitae for this missense variant, however the output from this modeling did not meet the statistical confidence thresholds required to predict the impact of this variant on HEPACAM protein function. Experimental studies have shown that this missense change affects HEPACAM function (PMID: 21419380, 31372844). For these reasons, this variant has been classified as Pathogenic.

Pittsburgh Clinical Genomics Laboratory, University of Pittsburgh Medical Center
Classification: Pathogenic for Megalencephalic leukoencephalopathy with subcortical cysts 2A. Last evaluated: 2023-07-14. Review status: criteria provided, single submitter. Criteria: ACMG Guidelines, 2015. Collection method: clinical testing. Allele origin: germline. Inheritance: Autosomal unknown. Affected: yes.
Comment: This sequence variant is a single nucleotide substitution (C>T) at position 274 of the coding sequence of the HEPACAM gene that results in an arginine to tryptophan amino acid change at residue 92 of the hepatic and glial cell adhesion molecule protein. This residue falls in a domain required for proper homo-oligomerization (PMID: 31960914). This is a previously reported variant (ClinVar 30921) that has been observed in individuals affected by megalencephalic leukoencephalopathy, autism, and other HEPACAM-related disorders (PMID: 31372844, 21419380, 28191890, 26402605, 27322623, 25363768); it is often seen as a de novo variant. This variant is absent from the gnomAD population database (0/~282000 alleles). Multiple bioinformatic tools predict that this arginine to tryptophan amino acid change would be damaging, and the Arg92 residue at this position is highly conserved across the vertebrate species examined. Several functiol studies suggest impaired homo-oligomerization, decreased plasma membrane localization, and impaired function of the variant protein (PMID: 21419380, 31960914, 28905383, 27819278, 23793458, 34531445, 21624973, 22405205, 25044933); additiolly, in a mouse model the variant protein caused white matter vacuolization and other abnormalities (PMID: 31372844). Based upon the evidence, we consider this variant to be pathogenic. ACMG Criteria: PM2, PM5, PP3, PS3, PS4

OMIM
Classification: Pathogenic for MEGALENCEPHALIC LEUKOENCEPHALOPATHY WITH SUBCORTICAL CYSTS 2B, REMITTING, WITH OR WITHOUT IMPAIRED INTELLECTUAL DEVELOPMENT. Last evaluated: 2011-04-08. Review status: no assertion criteria provided. Collection method: literature only. Allele origin: germline. Not counted in ClinVar's aggregate classification.

GeneReviews
No classification provided. Condition: Megalencephalic leukoencephalopathy with subcortical cysts 2A. Review status: no classification provided. Collection method: literature only. Allele origin: germline. Not counted in ClinVar's aggregate classification.

Literature cited by the submitters: PubMed 21419380 (cited by 4 submitters); PubMed 31372844 (cited by Labcorp Genetics (formerly Invitae), Labcorp and Pittsburgh Clinical Genomics Laboratory, University of Pittsburgh Medical Center); PubMed 21624973 (cited by Pittsburgh Clinical Genomics Laboratory, University of Pittsburgh Medical Center); PubMed 27819278 (cited by Pittsburgh Clinical Genomics Laboratory, University of Pittsburgh Medical Center); PubMed 25363768 (cited by Pittsburgh Clinical Genomics Laboratory, University of Pittsburgh Medical Center); PubMed 28905383 (cited by Pittsburgh Clinical Genomics Laboratory, University of Pittsburgh Medical Center); PubMed 34531445 (cited by Pittsburgh Clinical Genomics Laboratory, University of Pittsburgh Medical Center); PubMed 26402605 (cited by Pittsburgh Clinical Genomics Laboratory, University of Pittsburgh Medical Center); PubMed 25044933 (cited by Pittsburgh Clinical Genomics Laboratory, University of Pittsburgh Medical Center); PubMed 31960914 (cited by Pittsburgh Clinical Genomics Laboratory, University of Pittsburgh Medical Center); PubMed 28191890 (cited by Pittsburgh Clinical Genomics Laboratory, University of Pittsburgh Medical Center); PubMed 22405205 (cited by Pittsburgh Clinical Genomics Laboratory, University of Pittsburgh Medical Center); PubMed 23793458 (cited by Pittsburgh Clinical Genomics Laboratory, University of Pittsburgh Medical Center); PubMed 27322623 (cited by Pittsburgh Clinical Genomics Laboratory, University of Pittsburgh Medical Center); NCBI Bookshelf NBK1535 (cited by GeneReviews).

NM_152722.5(HEPACAM):c.274C>T (p.Arg92Trp)

Gene: HEPACAM (hepatic and glial cell adhesion molecule; minus strand). Cytogenetic location: 11q24.2.
Variant type: single nucleotide variant.
Coding change: c.274C>T on transcript NM_152722.5 (MANE Select); coding-DNA position 274, C replaced by T.
Protein change: p.Arg92Trp; replaces arginine 92 with tryptophan.
Molecular consequence: missense variant.
Genome position (GRCh38, 1-based): chr11:124,924,881, G>A on the plus strand (C>T on the coding strand, the complement: HEPACAM is on the minus strand). VCF-style: chr11-124924881-G-A. GRCh37 (hg19) VCF-style: chr11-124794777-G-A.
Other names: short protein forms R92W.
Identifiers: ClinVar variation 30921 (VCV000030921.10), dbSNP rs387907055, ClinGen allele CA259948.